The following is an entry in ClinVar:

NM_001110556.2(FLNA):c.5174G>A (p.Arg1725His)

Gene: FLNA (filamin A; minus strand). Cytogenetic location: Xq28.
Variant type: single nucleotide variant.
Coding change: c.5174G>A on transcript NM_001110556.2 (MANE Select); coding-DNA position 5174, G replaced by A.
Protein change: p.Arg1725His; replaces arginine 1725 with histidine.
Molecular consequence: missense variant.
Genome position (GRCh38, 1-based): chrX:154,354,868, C>T on the plus strand (G>A on the coding strand, the complement: FLNA is on the minus strand). VCF-style: chrX-154354868-C-T. GRCh37 (hg19) VCF-style: chrX-153583236-C-T.
Other names: c.5150G>A, p.Arg1717His (NM_001456.4); short protein forms R1725H, R1717H.
Identifiers: ClinVar variation 4793083 (VCV004793083.1).

ClinVar aggregate classification (germline): Uncertain significance (1 of 4 stars; one submission).

Conditions:
Heterotopia, periventricular, X-linked dominant (PVNH1). Also called: PERIVENTRICULAR NODULAR HETEROTOPIA 1; X-linked periventricular heterotopia; PERIVENTRICULAR NODULAR HETEROTOPIA 4; HETEROTOPIA, PERIVENTRICULAR, 1. Identifiers: Orphanet 2149, Orphanet 82004, MedGen C1848213, MONDO:0010233, OMIM 300049.
Melnick-Needles syndrome (MNS). Also called: MELNICK-NEEDLES OSTEODYSPLASTY; OSTEODYSPLASTY OF MELNICK AND NEEDLES; Melnick-Needles Syndrome (FLNA-MNS). Identifiers: Orphanet 2484, MedGen C0025237, MONDO:0010650, OMIM 309350.
Frontometaphyseal dysplasia (FMD1). Identifiers: Orphanet 1826, MedGen C0265293, MONDO:0015942.
Oto-palato-digital syndrome, type II (OPD2). Also called: FACIOPALATOOSSEOUS SYNDROME; OPD II SYNDROME; Otopalatodigital Syndrome Type 2 (FLNA-OPD2); Otopalatodigital Syndrome, Type II. Identifiers: Orphanet 669, Orphanet 90652, MedGen C1844696, MONDO:0010571, OMIM 304120.

gnomAD v4.1: 1 of 1,212,027 alleles (0.000083%); highest among the groups gnomAD compares: Non-Finnish European, 0.00011%; no homozygotes.

Submission:

Labcorp Genetics (formerly Invitae), Labcorp
Classification: Uncertain significance for Oto-palato-digital syndrome, type II; Heterotopia, periventricular, X-linked dominant; Frontometaphyseal dysplasia; Melnick-Needles syndrome. Last evaluated: 2025-11-09. Review status: criteria provided, single submitter. Criteria: Invitae Variant Classification Sherloc (09022015). Collection method: clinical testing. Allele origin: germline.
Comment: This sequence change replaces arginine, which is basic and polar, with histidine, which is basic and polar, at codon 1717 of the FLNA protein (p.Arg1717His). This variant is not present in population databases (gnomAD no frequency). This variant has not been reported in the literature in individuals affected with FLNA-related conditions. Invitae Evidence Modeling of protein sequence and biophysical properties (such as structural, functional, and spatial information, amino acid conservation, physicochemical variation, residue mobility, and thermodynamic stability) indicates that this missense variant is not expected to disrupt FLNA protein function with a negative predictive value of 95%. In summary, the available evidence is currently insufficient to determine the role of this variant in disease. Therefore, it has been classified as a Variant of Uncertain Significance.